The following is an entry in ClinVar:

ClinVar aggregate classification (germline): Uncertain significance (1 of 4 stars; one submission).

Conditions:
Fanconi anemia (FA). Also called: Fanconi's anemia. Identifiers: Orphanet 84, MedGen C0015625, MeSH D005199, MONDO:0019391.

Allele frequency attached by ClinVar (database versions not stated): gnomAD exomes below 0.00001; TOPMed 0.00002.
gnomAD v4.1: 1 of 1,208,498 alleles (0.000083%); highest among the groups gnomAD compares: Admixed American, 0.0022%; no homozygotes.

Submission:

Labcorp Genetics (formerly Invitae), Labcorp
Classification: Uncertain significance for Fanconi anemia. Last evaluated: 2023-02-08. Review status: criteria provided, single submitter. Criteria: Invitae Variant Classification Sherloc (09022015). Collection method: clinical testing. Allele origin: germline.
Comment: This variant is present in population databases (no rsID available, gnomAD 0.004%). This sequence change replaces serine, which is neutral and polar, with proline, which is neutral and non-polar, at codon 570 of the FANCB protein (p.Ser570Pro). This variant has not been reported in the literature in individuals affected with FANCB-related conditions. In summary, the available evidence is currently insufficient to determine the role of this variant in disease. Therefore, it has been classified as a Variant of Uncertain Significance. Advanced modeling of protein sequence and biophysical properties (such as structural, functional, and spatial information, amino acid conservation, physicochemical variation, residue mobility, and thermodynamic stability) performed at Invitae indicates that this missense variant is not expected to disrupt FANCB protein function.

NM_001018113.3(FANCB):c.1708T>C (p.Ser570Pro)

Gene: FANCB (FA complementation group B; minus strand). Cytogenetic location: Xp22.2.
Variant type: single nucleotide variant.
Coding change: c.1708T>C on transcript NM_001018113.3 (MANE Select); coding-DNA position 1708, T replaced by C.
Protein change: p.Ser570Pro; replaces serine 570 with proline.
Molecular consequence: missense variant.
Genome position (GRCh38, 1-based): chrX:14,845,075, A>G on the plus strand (T>C on the coding strand, the complement: FANCB is on the minus strand). VCF-style: chrX-14845075-A-G. GRCh37 (hg19) VCF-style: chrX-14863197-A-G.
Other names: c.1708T>C, p.Ser570Pro (NM_001324162.2, NM_001410764.1, NM_152633.4); short protein forms S570P.
Identifiers: ClinVar variation 2835463 (VCV002835463.3), dbSNP rs1378850468, ClinGen allele CA412439797.